The following is an entry in ClinVar:

NM_000094.4(COL7A1):c.8101G>T (p.Gly2701Trp)

Gene: COL7A1 (collagen type VII alpha 1 chain; minus strand). Cytogenetic location: 3p21.31.
Variant type: single nucleotide variant.
Coding change: c.8101G>T on transcript NM_000094.4 (MANE Select); coding-DNA position 8101, G replaced by T.
Protein change: p.Gly2701Trp; replaces glycine 2701 with tryptophan.
Molecular consequence: missense variant.
Genome position (GRCh38, 1-based): chr3:48,567,136, C>A on the plus strand (G>T on the coding strand, the complement: COL7A1 is on the minus strand). VCF-style: chr3-48567136-C-A. GRCh37 (hg19) VCF-style: chr3-48604569-C-A.
Other names: short protein forms G2701W.
Identifiers: ClinVar variation 804362 (VCV000804362.5), dbSNP rs1575418015, ClinGen allele CA352640428.

ClinVar aggregate classification (germline): Likely pathogenic (1 of 4 stars; one submission).

Conditions:
Recessive dystrophic epidermolysis bullosa (RDEB). Also called: severe generalized recessive dystrophic epidermolysis bullosa; Epidermolysis Bullosa Distrophica Autosomal Recessive (RDEB); Hallopeau-Siemens Disease; DYSTROPHIC EPIDERMOLYSIS BULLOSA, AUTOSOMAL RECESSIVE; EPIDERMOLYSIS BULLOSA DYSTROPHICA, GENERALIZED SEVERE, AUTOSOMAL RECESSIVE; epidermolysis bullosa dystrophica, autosomal recessive. Identifiers: Orphanet 79408, Orphanet 79409, MedGen C0079474, MONDO:0009179, OMIM 226600.
Epidermolysis bullosa pruriginosa. Also called: DEB, PRURIGINOSA; DYSTROPHIC EPIDERMOLYSIS BULLOSA PRURIGINOSA. Identifiers: Orphanet 89843, MedGen C1275114, MONDO:0011398, OMIM 604129.
Pretibial dystrophic epidermolysis bullosa. Also called: Pretibial blistering; Pretibial epidermolysis bullosa; EPIDERMOLYSIS BULLOSA DYSTROPHICA, PRETIBIAL. Identifiers: Orphanet 79410, MedGen C0432321, MONDO:0007552, OMIM 131850, HP:0012221.

Submission:

Diagnostics Services (NGS), CSIR - Centre For Cellular And Molecular Biology
Classification: Likely pathogenic for Recessive dystrophic epidermolysis bullosa; Epidermolysis bullosa pruriginosa; Pretibial dystrophic epidermolysis bullosa. Last evaluated: 2019-12-17. Review status: criteria provided, single submitter. Criteria: ACMG Guidelines, 2015. Collection method: clinical testing. Allele origin: unknown. Inheritance: Autosomal recessive inheritance. Affected: no. Observed: 1 heterozygote.
Comment: The c.8101G>T variant is not present in publicly available databases like 1000 Genomes and Exome Variant Server (EVS), Exome Aggregation Consortium (ExAC), Genome Aggregation Database (gnomAD) and dbSNP. The variant is also not present in our in-house exome database. The variant was earlier reported Human Genome Mutation Database (HGMD ID:CM117846) in other similarly affected individuals. In-silico pathogenicity prediction programs like Polyphen, SIFT, MutationTaster, CADD etc. Predicted this variant as likely deleterious. Based on ACMG guidelines the variant has been classified as likely pathogenic.